The following is an entry in ClinVar:

ClinVar aggregate classification (germline): Conflicting classifications of pathogenicity. Review status: criteria provided, conflicting classifications (1 of 4 stars). 3 submissions from 3 submitters: Uncertain significance (1); Likely benign (2). Last evaluated 2026-05-09.

Conditions:
CDAN1-related disorder. Also called: CDAN1-related condition.
Congenital dyserythropoietic anemia, type I. Also called: Dyserythropoietic anemia, congenital type 1. Identifiers: Orphanet 98869, MedGen C0271933, MONDO:0020337. Disease mechanism: loss of function.

Allele frequency attached by ClinVar (database versions not stated): gnomAD exomes 0.00010; ExAC 0.00020; gnomAD 0.00027 and 0.00029; 1000 Genomes Project 30x 0.00031; TOPMed 0.00034; ESP Exome Variant Server 0.00039; 1000 Genomes Project 0.00040.
gnomAD v4.1: 74 of 1,548,102 alleles (0.0048%); highest among the groups gnomAD compares: African/African-American, 0.09%; no homozygotes.

Submissions (3):

PreventionGenetics, part of Exact Sciences
Classification: Likely benign for CDAN1-related condition. Last evaluated: 2026-05-09. Review status: criteria provided, single submitter. Criteria: ACMG Guidelines, 2015. Collection method: clinical testing. Allele origin: germline.
Comment: This variant is classified as likely benign based on ACMG/AMP sequence variant interpretation guidelines (Richards et al. 2015 PMID: 25741868, with internal and published modifications).

Labcorp Genetics (formerly Invitae), Labcorp
Classification: Likely benign. Last evaluated: 2024-10-25. Review status: criteria provided, single submitter. Criteria: Invitae Variant Classification Sherloc (09022015). Collection method: clinical testing. Allele origin: germline.

Illumina Laboratory Services, Illumina
Classification: Uncertain significance for Anemia, congenital dyserythropoietic, type 1a. Last evaluated: 2018-01-13. Review status: criteria provided, single submitter. Criteria: ICSL Variant Classification Criteria 13 December 2019. Collection method: clinical testing. Allele origin: germline.

NM_138477.4(CDAN1):c.57G>C (p.Val19=)

Gene: CDAN1 (codanin 1; minus strand). Cytogenetic location: 15q15.2.
Variant type: single nucleotide variant.
Coding change: c.57G>C on transcript NM_138477.4 (MANE Select); coding-DNA position 57, G replaced by C.
Protein change: p.Val19=; no amino-acid change (valine 19 retained).
Molecular consequence: synonymous variant.
Genome position (GRCh38, 1-based): chr15:42,737,046, C>G on the plus strand (G>C on the coding strand, the complement: CDAN1 is on the minus strand). VCF-style: chr15-42737046-C-G. GRCh37 (hg19) VCF-style: chr15-43029244-C-G.
Other names: c.57G>C, p.Val19= (LRG_1164t1).
Identifiers: ClinVar variation 315957 (VCV000315957.10), dbSNP rs150418267, ClinGen allele CA7516477.